The following is an entry in ClinVar:

ClinVar aggregate classification (germline): Likely benign. Review status: criteria provided, multiple submitters, no conflicts (2 of 4 stars). 2 submissions from 2 submitters: Likely benign (2). Last evaluated 2025-05-27.

Conditions:
Renal cell carcinoma. Identifiers: Orphanet 217071, MedGen C0007134, MeSH D002292, MONDO:0005086, HP:0005584.
Papillary renal cell carcinoma type 1 (RCCP1). Also called: Renal adenocarcinoma; Renal cell carcinoma 1; Renal cell carcinoma, somatic; RENAL CELL CARCINOMA, PAPILLARY, 1, SOMATIC. Identifiers: Orphanet 47044, MedGen C1336839, OMIM 605074, HP:0011797.

Submissions (2):

Labcorp Genetics (formerly Invitae), Labcorp
Classification: Likely benign for Renal cell carcinoma. Last evaluated: 2025-05-27. Review status: criteria provided, single submitter. Criteria: Invitae Variant Classification Sherloc (09022015). Collection method: clinical testing. Allele origin: germline.

Myriad Genetics, Inc.
Classification: Likely benign for Papillary renal cell carcinoma type 1. Last evaluated: 2024-11-12. Review status: criteria provided, single submitter. Criteria: Myriad Autosomal Dominant, Autosomal Recessive and X-Linked Classification Criteria (2023). Collection method: clinical testing. Allele origin: unknown.
Comment: This variant is considered likely benign. This variant is intronic and is not expected to impact mRNA splicing.

NM_000245.4(MET):c.2731-17T>C

Gene: MET (MET proto-oncogene, receptor tyrosine kinase; plus strand). Cytogenetic location: 7q31.2.
Variant type: single nucleotide variant.
Coding change: c.2731-17T>C on transcript NM_000245.4 (MANE Select); 17 bases into the intron before coding-DNA position 2731, T replaced by C.
Molecular consequence: intron variant.
Genome position (GRCh38, 1-based): chr7:116,771,481, T>C. VCF-style: chr7-116771481-T-C. GRCh37 (hg19) VCF-style: chr7-116411535-T-C.
Other names: c.2785-17T>C (NM_001127500.3); c.1441-17T>C (NM_001324402.2).
Identifiers: ClinVar variation 1950631 (VCV001950631.6), dbSNP rs2116991123, ClinGen allele CA2580076303.